The following is an entry in ClinVar:

ClinVar aggregate classification (germline): Uncertain significance. Review status: criteria provided, multiple submitters, no conflicts (2 of 4 stars). 2 submissions from 2 submitters: Uncertain significance (2). Last evaluated 2021-06-27.

Conditions:
Sialuria. Also called: Sialic Acid Storage Disease; SIALURIA, FRENCH TYPE. Identifiers: Orphanet 3166, MedGen C0342853, MONDO:0010028, OMIM 269921.
GNE myopathy (NM). Also called: NONAKA DISTAL MYOPATHY; IBM 2; Inclusion body myopathy autosomal recessive; Inclusion body myopathy quadriceps sparing; INCLUSION BODY MYOPATHY, HEREDITARY, AUTOSOMAL RECESSIVE; INCLUSION BODY MYOPATHY 2, AUTOSOMAL RECESSIVE. Identifiers: Orphanet 602, MedGen C1853926, MONDO:0011603, OMIM 605820.

Allele frequency attached by ClinVar (database versions not stated): gnomAD exomes below 0.00001; TOPMed below 0.00001.
gnomAD v4.1: 1 of 1,614,198 alleles (0.000062%); highest among the groups gnomAD compares: Non-Finnish European, 0.000085%; no homozygotes.

Submissions (2):

Labcorp Genetics (formerly Invitae), Labcorp
Classification: Uncertain significance for Sialuria; GNE myopathy. Last evaluated: 2021-06-27. Review status: criteria provided, single submitter. Criteria: Invitae Variant Classification Sherloc (09022015). Collection method: clinical testing. Allele origin: germline.
Comment: This sequence change replaces histidine with arginine at codon 141 of the GNE protein (p.His141Arg). The histidine residue is highly conserved and there is a small physicochemical difference between histidine and arginine. This variant is not present in population databases (ExAC no frequency). This variant has not been reported in the literature in individuals affected with GNE-related conditions. ClinVar contains an entry for this variant (Variation ID: 287819). Advanced modeling of protein sequence and biophysical properties (such as structural, functional, and spatial information, amino acid conservation, physicochemical variation, residue mobility, and thermodynamic stability) performed at Invitae indicates that this missense variant is expected to disrupt GNE protein function. In summary, the available evidence is currently insufficient to determine the role of this variant in disease. Therefore, it has been classified as a Variant of Uncertain Significance.

Eurofins Ntd Llc (ga)
Classification: Uncertain significance. Last evaluated: 2016-05-25. Review status: criteria provided, single submitter. Criteria: EGL Classification Definitions 2015. Collection method: clinical testing. Allele origin: germline. Observed: 1 variant allele, 1 heterozygote.

NM_005476.7(GNE):c.329A>G (p.His110Arg)

Gene: GNE (glucosamine (UDP-N-acetyl)-2-epimerase/N-acetylmannosamine kinase; minus strand). Cytogenetic location: 9p13.3.
Variant type: single nucleotide variant.
Coding change: c.329A>G on transcript NM_005476.7 (MANE Select); coding-DNA position 329, A replaced by G.
Protein change: p.His110Arg; replaces histidine 110 with arginine.
Molecular consequence: missense variant.
Genome position (GRCh38, 1-based): chr9:36,246,318, T>C on the plus strand (A>G on the coding strand, the complement: GNE is on the minus strand). VCF-style: chr9-36246318-T-C. GRCh37 (hg19) VCF-style: chr9-36246315-T-C.
Other names: c.422A>G, p.His141Arg (NM_001128227.3); c.329A>G, p.His110Arg (NM_001190383.3, NM_001374797.1); c.152A>G, p.His51Arg (NM_001190384.3, NM_001190388.2, NM_001374798.1); short protein forms H141R, H110R, H51R.
Identifiers: ClinVar variation 287819 (VCV000287819.12), dbSNP rs886043739, ClinGen allele CA10605885.
Genomic context (GRCh38, chr9:36,246,318, plus strand): 5'-ATTCGGATGTTCATCAAGGCAGCAGATGTGGCCAGAGCCAGGGCATCAAACCTGTCTCCA[T>C]GAACAATCATGATATCAGGCTTCAGGCGATTAAGGACATCTGGCAGCTTCACTAGGGCCA-3'
Protein context (NP_005467.1, residues 100-120): NRLKPDIMIV[His110Arg]GDRFDALALA